The following is an entry in ClinVar:

NM_001271049.2(CFAP221):c.1025-1G>A

Gene: CFAP221 (cilia and flagella associated protein 221; plus strand). Cytogenetic location: 2q14.2.
Variant type: single nucleotide variant.
Coding change: c.1025-1G>A on transcript NM_001271049.2 (MANE Select); the canonical splice acceptor site of the intron before coding-DNA position 1025, G replaced by A.
Molecular consequence: splice acceptor variant.
Genome position (GRCh38, 1-based): chr2:119,605,180, G>A. VCF-style: chr2-119605180-G-A. GRCh37 (hg19) VCF-style: chr2-120362756-G-A.
Identifiers: ClinVar variation 3774033 (VCV003774033.1).
Genomic context (GRCh38, chr2:119,605,180, plus strand): 5'-TCTCTCCGCACATGATTTTAATCTGATTACTGGTATAAACATTGTCTGCTCCTGCCTTCA[G>A]TTTTGGACCAGGGCACTGAAATTTCAAAAACGAGACAGATGAAGGAGGCACTCTTTGAAC-3'

ClinVar aggregate classification (germline): Uncertain significance (1 of 4 stars; one submission).

gnomAD v4.1: 46 of 1,613,168 alleles (0.0029%); highest among the groups gnomAD compares: Non-Finnish European, 0.0039%; no homozygotes.

Submission:

GeneDx
Classification: Uncertain significance. Last evaluated: 2024-09-11. Review status: criteria provided, single submitter. Criteria: GeneDx Variant Classification Process June 2021. Collection method: clinical testing. Allele origin: germline. Affected: yes.
Comment: Canonical splice site variant in a gene for which loss-of-function is not a known mechanism of disease; Not observed at significant frequency in large population cohorts (gnomAD); Has not been previously published as pathogenic or benign to our knowledge; Variants in candidate genes are classified as variants of uncertain significance in accordance with ACMG guidelines (PMID: 25741868)